The following is an entry in ClinVar:

ClinVar aggregate classification (germline): Conflicting classifications of pathogenicity. Review status: criteria provided, conflicting classifications (1 of 4 stars). 7 submissions from 7 submitters: Uncertain significance (1); Likely benign (6). Last evaluated 2026-01-17.

Conditions:
Spastic paraplegia. Identifiers: MedGen C0037772, HP:0001258.
Charlevoix-Saguenay spastic ataxia (SACS). Also called: SPASTIC ATAXIA 6, AUTOSOMAL RECESSIVE; AUTOSOMAL RECESSIVE SPASTIC ATAXIA OF CHARLEVOIX-SAGUENAY; Spastic ataxia of Charlevoix-Saguenay. Identifiers: Orphanet 98, MedGen C1849140, MONDO:0010041, OMIM 270550.

Allele frequency attached by ClinVar (database versions not stated): gnomAD exomes 0.00009; ExAC 0.00012; gnomAD 0.00015; 1000 Genomes Project 30x 0.00016; TOPMed 0.00017; 1000 Genomes Project 0.00020; ESP Exome Variant Server 0.00046.
gnomAD v4.1: 159 of 1,611,786 alleles (0.0099%); highest among the groups gnomAD compares: South Asian, 0.014%; 1 homozygote.

Submissions (7):

Labcorp Genetics (formerly Invitae), Labcorp
Classification: Likely benign for Spastic paraplegia. Last evaluated: 2026-01-17. Review status: criteria provided, single submitter. Criteria: Invitae Variant Classification Sherloc (09022015). Collection method: clinical testing. Allele origin: germline.

Mayo Clinic Laboratories, Mayo Clinic
Classification: Likely benign. Last evaluated: 2025-04-23. Review status: criteria provided, single submitter. Criteria: ACMG Guidelines, 2015. Collection method: clinical testing. Allele origin: germline. Observed: 2 variant alleles.
Comment: BP4, BP7

Blueprint Genetics
Classification: Likely benign. Last evaluated: 2024-05-29. Review status: criteria provided, single submitter. Criteria: ACMG Guidelines, 2015. Collection method: clinical testing. Allele origin: germline.

Genome-Nilou Lab
Classification: Likely benign for Charlevoix-Saguenay spastic ataxia. Last evaluated: 2021-07-22. Review status: criteria provided, single submitter. Criteria: ACMG Guidelines, 2015. Collection method: clinical testing. Allele origin: germline. Affected: no.

Pars Genome Lab
Classification: Likely benign for Charlevoix-Saguenay spastic ataxia. Last evaluated: 2021-05-18. Review status: criteria provided, single submitter. Criteria: ACMG Guidelines, 2015. Collection method: clinical testing. Allele origin: germline. Affected: no.

Athena Diagnostics
Classification: Likely benign. Last evaluated: 2020-12-18. Review status: criteria provided, single submitter. Criteria: Athena Diagnostics criteria. Collection method: clinical testing. Allele origin: unknown.

Illumina Laboratory Services, Illumina
Classification: Uncertain significance for Charlevoix-Saguenay spastic ataxia. Last evaluated: 2018-01-12. Review status: criteria provided, single submitter. Criteria: ICSL Variant Classification Criteria 13 December 2019. Collection method: clinical testing. Allele origin: germline.

NM_014363.6(SACS):c.3345C>T (p.Val1115=)

Gene: SACS (sacsin molecular chaperone; minus strand). Cytogenetic location: 13q12.12.
Variant type: single nucleotide variant.
Coding change: c.3345C>T on transcript NM_014363.6 (MANE Select); coding-DNA position 3345, C replaced by T.
Protein change: p.Val1115=; no amino-acid change (valine 1115 retained).
Molecular consequence: synonymous variant.
Genome position (GRCh38, 1-based): chr13:23,340,531, G>A on the plus strand (C>T on the coding strand, the complement: SACS is on the minus strand). VCF-style: chr13-23340531-G-A. GRCh37 (hg19) VCF-style: chr13-23914670-G-A.
Other names: p.Val1115=; c.2904C>T, p.Val968= (NM_001278055.2); c.3345C>T (NM_014363.4).
Identifiers: ClinVar variation 311550 (VCV000311550.23), dbSNP rs143287019, ClinGen allele CA6911535.